The following is an entry in ClinVar:

ClinVar aggregate classification (germline): Uncertain significance. Review status: criteria provided, multiple submitters, no conflicts (2 of 4 stars). 3 submissions from 3 submitters: Uncertain significance (3). Last evaluated 2025-10-27.

Conditions:
Hereditary cancer-predisposing syndrome. Also called: Neoplastic Syndromes, Hereditary; Tumor predisposition; Hereditary neoplastic syndrome; Hereditary Cancer Syndrome. Identifiers: Orphanet 140162, MedGen C0027672, MeSH D009386, MONDO:0015356.
Familial cancer of breast. Also called: BREAST CANCER, FAMILIAL; Hereditary breast cancer; hereditary breast carcinoma. Identifiers: Orphanet 227535, MedGen C0346153, MONDO:0016419, OMIM 114480. Disease mechanism: loss of function.

Submissions (3):

Labcorp Genetics (formerly Invitae), Labcorp
Classification: Uncertain significance for Familial cancer of breast. Last evaluated: 2025-10-27. Review status: criteria provided, single submitter. Criteria: Invitae Variant Classification Sherloc (09022015). Collection method: clinical testing. Allele origin: germline.
Comment: This sequence change replaces glycine, which is neutral and non-polar, with valine, which is neutral and non-polar, at codon 17 of the BARD1 protein (p.Gly17Val). This variant is not present in population databases (gnomAD no frequency). This variant has not been reported in the literature in individuals affected with BARD1-related conditions. ClinVar contains an entry for this variant (Variation ID: 825445). An algorithm developed to predict the effect of missense changes on protein structure and function (PolyPhen-2) suggests that this variant is likely to be disruptive. In summary, the available evidence is currently insufficient to determine the role of this variant in disease. Therefore, it has been classified as a Variant of Uncertain Significance.

Ambry Genetics
Classification: Uncertain significance for Hereditary cancer-predisposing syndrome. Last evaluated: 2025-03-18. Review status: criteria provided, single submitter. Criteria: Ambry Variant Classification Scheme 2023. Collection method: clinical testing. Allele origin: germline.
Comment: The p.G17V variant (also known as c.50G>T), located in coding exon 1 of the BARD1 gene, results from a G to T substitution at nucleotide position 50. The glycine at codon 17 is replaced by valine, an amino acid with dissimilar properties. This amino acid position is highly conserved in available vertebrate species. In addition, the in silico prediction for this alteration is inconclusive. Since supporting evidence is limited at this time, the clinical significance of this alteration remains unclear.

Color Diagnostics, LLC DBA Color Health
Classification: Uncertain significance for Hereditary cancer-predisposing syndrome. Last evaluated: 2024-03-06. Review status: criteria provided, single submitter. Criteria: ACMG Guidelines, 2015. Collection method: clinical testing. Allele origin: germline.
Comment: This missense variant replaces glycine with valine at codon 17 of the BARD1 protein. Computational prediction suggests that this variant may not impact protein structure and function (internally defined REVEL score threshold <= 0.5, PMID: 27666373). Splice site prediction tools suggest that this variant may not impact RNA splicing. To our knowledge, functional studies have not been performed for this variant. This variant has not been reported in individuals affected with hereditary cancer in the literature. This variant has not been identified in the general population by the Genome Aggregation Database (gnomAD). The available evidence is insufficient to determine the role of this variant in disease conclusively. Therefore, this variant is classified as a Variant of Uncertain Significance.

NM_000465.4(BARD1):c.50G>T (p.Gly17Val)

Gene: BARD1 (BRCA1 associated RING domain 1; minus strand). Cytogenetic location: 2q35.
Variant type: single nucleotide variant.
Coding change: c.50G>T on transcript NM_000465.4 (MANE Select); coding-DNA position 50, G replaced by T.
Protein change: p.Gly17Val; replaces glycine 17 with valine.
Molecular consequence: missense variant. On other transcripts: non-coding transcript variant (3).
Genome position (GRCh38, 1-based): chr2:214,809,520, C>A on the plus strand (G>T on the coding strand, the complement: BARD1 is on the minus strand). VCF-style: chr2-214809520-C-A. GRCh37 (hg19) VCF-style: chr2-215674244-C-A.
Other names: c.50G>T, p.Gly17Val (NM_001282543.2, NM_001282545.2, NM_001282548.2 and 1 more transcripts); short protein forms G17V.
Identifiers: ClinVar variation 825445 (VCV000825445.14), dbSNP rs1574869785, ClinGen allele CA350465268.